The following is an entry in ClinVar:

NM_133510.4(RAD51B):c.250T>C (p.Ser84Pro)

Gene: RAD51B (RAD51 paralog B; plus strand). Cytogenetic location: 14q24.1.
Variant type: single nucleotide variant.
Coding change: c.250T>C on transcript NM_133510.4 (MANE Select); coding-DNA position 250, T replaced by C.
Protein change: p.Ser84Pro; replaces serine 84 with proline.
Molecular consequence: missense variant. On other transcripts: 5 prime UTR variant (1).
Genome position (GRCh38, 1-based): chr14:67,835,131, T>C. VCF-style: chr14-67835131-T-C. GRCh37 (hg19) VCF-style: chr14-68301848-T-C.
Other names: c.250T>C, p.Ser84Pro (NM_001321812.1, NM_001321814.2, NM_001321818.2 and 6 more transcripts); c.136T>C, p.Ser46Pro (NM_001321815.1); c.-206T>C (NM_001321817.2); short protein forms S84P, S46P.
Identifiers: ClinVar variation 4575292 (VCV004575292.1).

ClinVar aggregate classification (germline): Uncertain significance (1 of 4 stars; one submission).

Submission:

Ambry Genetics
Classification: Uncertain significance. Last evaluated: 2025-10-12. Review status: criteria provided, single submitter. Criteria: Ambry Variant Classification Scheme 2023. Collection method: clinical testing. Allele origin: germline.
Comment: The p.S84P variant (also known as c.250T>C), located in coding exon 3 of the RAD51B gene, results from a T to C substitution at nucleotide position 250. The serine at codon 84 is replaced by proline, an amino acid with similar properties. This amino acid position is conserved. In addition, this alteration is predicted to be tolerated by in silico analysis. Based on the available evidence, the clinical significance of this variant remains unclear.